The following is an entry in ClinVar:

NM_000257.4(MYH7):c.5606A>G (p.Asp1869Gly)

Gene: MYH7 (myosin heavy chain 7; minus strand). Cytogenetic location: 14q11.2.
Variant type: single nucleotide variant.
Coding change: c.5606A>G on transcript NM_000257.4 (MANE Select); coding-DNA position 5606, A replaced by G.
Protein change: p.Asp1869Gly; replaces aspartic acid 1869 with glycine.
Molecular consequence: missense variant.
Genome position (GRCh38, 1-based): chr14:23,414,056, T>C on the plus strand (A>G on the coding strand, the complement: MYH7 is on the minus strand). VCF-style: chr14-23414056-T-C. GRCh37 (hg19) VCF-style: chr14-23883265-T-C.
Other names: p.D1869G:GAC>GGC; short protein forms D1869G.
Identifiers: ClinVar variation 181288 (VCV000181288.48), dbSNP rs730880824, ClinGen allele CA016304.
Genomic context (GRCh38, chr14:23,414,056, plus strand): 5'-GGGTCACTCACCGCCTCCTCGGCCTGGCGCTTGTAGGCCTTGACCTTTAGCTGCAGCTTG[T>C]CTACCAGGTCCTGCAGCCGCAGCAGGTTTTTCCTGTCCTCCTCCGTCTGGGGGCCAGAGG-3'
Protein context (NP_000248.2, residues 1859-1879): KNLLRLQDLV[Asp1869Gly]KLQLKVKAYK

ClinVar aggregate classification (germline): Conflicting classifications of pathogenicity. Review status: criteria provided, conflicting classifications (1 of 4 stars). 13 submissions from 10 submitters: Likely pathogenic (1); Uncertain significance (12). Last evaluated 2026-01-11.

Conditions:
Myosin storage myopathy (CMYO7A). Also called: MYOPATHY, HYALINE BODY, AUTOSOMAL DOMINANT; Scapuloperoneal myopathy, MYH7-related; MYH7-related late-onset scapuloperoneal muscular dystrophy; Congenital myopathy 7A, myosin storage, autosomal dominant; MYOPATHY WITH LYSIS OF TYPE I MYOFIBRILS; SCAPULOPERONEAL MUSCULAR DYSTROPHY. Identifiers: Orphanet 437572, Orphanet 636965, MedGen C1842160, MONDO:0008409, OMIM 608358.
Myopathy, myosin storage, autosomal recessive (CMYO7B). Also called: CONGENITAL MYOPATHY 7B, MYOSIN STORAGE, AUTOSOMAL RECESSIVE. Identifiers: Orphanet 636970, MedGen C1850709, MONDO:0009708, OMIM 255160.
Hypertrophic cardiomyopathy 1 (CMH1). Also called: Familial hypertrophic cardiomyopathy 1; MYH7-Related Familial Hypertrophic Cardiomyopathy. Identifiers: MedGen C3495498, MONDO:0008647, OMIM 192600.
MYH7-related skeletal myopathy. Also called: Myopathy, distal, 1; MYOPATHY, DISTAL, EARLY-ONSET, AUTOSOMAL DOMINANT; MYOPATHY, LATE DISTAL HEREDITARY; Laing distal myopathy; Laing early-onset distal myopathy. Identifiers: Orphanet 59135, MedGen C4552004, MONDO:0008050, OMIM 160500.
Congenital myopathy with fiber type disproportion. Also called: Congenital fiber-type disproportion; Congenital fiber-type disproportion myopathy. Identifiers: Orphanet 2020, MedGen C0546264, MONDO:0009711. Inheritance: all.
Dilated cardiomyopathy 1S (CMD1S). Identifiers: Orphanet 154, Orphanet 54260, MedGen C1834481, MONDO:0013262, OMIM 613426.
Cardiovascular phenotype. Identifiers: MedGen CN230736.
Cardiomyopathy (CMYO). Also called: Cardiomyopathies. Identifiers: Orphanet 167848, MedGen C0878544, MONDO:0004994, HP:0001638. Inheritance: Various modes of inheritance.
Hypertrophic cardiomyopathy. Also called: HYPERTROPHIC MYOCARDIOPATHY. Identifiers: Orphanet 217569, MedGen C0007194, MeSH D002312, MONDO:0005045, HP:0001639.

Allele frequency attached by ClinVar (database versions not stated): gnomAD exomes below 0.00001 and 0.00002; ExAC 0.00001; gnomAD 0.00001; TOPMed 0.00001.

Submissions (13):

Labcorp Genetics (formerly Invitae), Labcorp
Classification: Likely pathogenic for Hypertrophic cardiomyopathy. Last evaluated: 2026-01-11. Review status: criteria provided, single submitter. Criteria: Invitae Variant Classification Sherloc (09022015). Collection method: clinical testing. Allele origin: germline.
Comment: This sequence change replaces aspartic acid, which is acidic and polar, with glycine, which is neutral and non-polar, at codon 1869 of the MYH7 protein (p.Asp1869Gly). This variant is present in population databases (rs730880824, gnomAD 0.0009%). This missense change has been observed in individuals with hypertrophic cardiomyopathy (PMID: 27247418; internal data). ClinVar contains an entry for this variant (Variation ID: 181288). Invitae Evidence Modeling of protein sequence and biophysical properties (such as structural, functional, and spatial information, amino acid conservation, physicochemical variation, residue mobility, and thermodynamic stability) indicates that this missense variant is expected to disrupt MYH7 protein function with a positive predictive value of 95%. In summary, the currently available evidence indicates that the variant is pathogenic, but additional data are needed to prove that conclusively. Therefore, this variant has been classified as Likely Pathogenic.

Ambry Genetics
Classification: Uncertain significance for Cardiovascular phenotype. Last evaluated: 2025-08-21. Review status: criteria provided, single submitter. Criteria: Ambry Variant Classification Scheme 2023. Collection method: clinical testing. Allele origin: germline.
Comment: The p.D1869G variant (also known as c.5606A>G), located in coding exon 36 of the MYH7 gene, results from an A to G substitution at nucleotide position 5606. The aspartic acid at codon 1869 is replaced by glycine, an amino acid with similar properties. This variant was reported in individual(s) with features consistent with hypertrophic cardiomyopathy (HCM) (Marstrand P et al. Circulation, 2020 Apr;141:1371-1383; Ambry internal data). This amino acid position is highly conserved in available vertebrate species. In addition, this alteration is predicted to be deleterious by in silico analysis. Based on the available evidence, the clinical significance of this variant remains unclear.

Color Diagnostics, LLC DBA Color Health
Classification: Uncertain significance for Cardiomyopathy. Last evaluated: 2025-07-22. Review status: criteria provided, single submitter. Criteria: ACMG Guidelines, 2015. Collection method: clinical testing. Allele origin: germline.
Comment: This missense variant replaces aspartic acid with glycine at codon 1869 of the MYH7 protein. Computational prediction suggests that this variant may have a deleterious impact on protein structure and function. To our knowledge, functional studies have not been reported for this variant. This variant has been reported in an individual affected with hypertrophic cardiomyopathy (PMID: 27247418, 30297972, 32228044). This variant has been identified in 1/251348 chromosomes in the general population by the Genome Aggregation Database (gnomAD). The available evidence is insufficient to determine the role of this variant in disease conclusively. Therefore, this variant is classified as a Variant of Uncertain Significance.

Blueprint Genetics
Classification: Uncertain significance. Last evaluated: 2024-10-18. Review status: criteria provided, single submitter. Criteria: ACMG Guidelines, 2015. Collection method: clinical testing. Allele origin: germline.

Women's Health and Genetics/Laboratory Corporation of America, LabCorp
Classification: Uncertain significance. Last evaluated: 2024-10-15. Review status: criteria provided, single submitter. Criteria: LabCorp Variant Classification Summary - May 2015. Collection method: clinical testing. Allele origin: germline.
Comment: Variant summary: MYH7 c.5606A>G (p.Asp1869Gly) results in a non-conservative amino acid change located in the Myosin tail domain (IPR002928) of the encoded protein sequence. Five of five in-silico tools predict a damaging effect of the variant on protein function. The variant allele was found at a frequency of 4e-06 in 251348 control chromosomes. The available data on variant occurrences in the general population are insufficient to allow any conclusion about variant significance. c.5606A>G has been reported in the literature in at least one individual affected with Hypertrophic Cardiomyopathy (Homburger_2016). These data do not allow any conclusion about variant significance. To our knowledge, no experimental evidence demonstrating an impact on protein function has been reported. The following publications have been ascertained in the context of this evaluation (PMID: 27247418, 34542152, 32228044). ClinVar contains an entry for this variant (Variation ID: 181288). Based on the evidence outlined above, the variant was classified as uncertain significance.

All of Us Research Program, National Institutes of Health
Classification: Uncertain significance for Cardiomyopathy. Last evaluated: 2023-09-17. Review status: criteria provided, single submitter. Criteria: ACMG Guidelines, 2015. Collection method: clinical testing. Allele origin: germline. Inheritance: Autosomal dominant inheritance. Observed: 2 variant alleles, 2 heterozygotes.
Comment: This missense variant replaces aspartic acid with glycine at codon 1869 of the MYH7 protein. Computational prediction suggests that this variant may have deleterious impact on protein structure and function (internally defined REVEL score threshold >= 0.7, PMID: 27666373). To our knowledge, functional studies have not been reported for this variant. This variant has been reported in an individual affected with hypertrophic cardiomyopathy (PMID: 27247418, 32228044). This variant has been identified in 1/251348 chromosomes in the general population by the Genome Aggregation Database (gnomAD). The available evidence is insufficient to determine the role of this variant in disease conclusively. Therefore, this variant is classified as a Variant of Uncertain Significance.

This study involves interpretation of variants in research participants for the purpose of population health screening. Participant phenotype was not available at the time of variant classification. Additional details can be found in publication PMID: 35346344, PMCID: PMC8962531

GeneDx
Classification: Uncertain significance. Last evaluated: 2022-04-14. Review status: criteria provided, single submitter. Criteria: GeneDx Variant Classification Process June 2021. Collection method: clinical testing. Allele origin: germline. Affected: yes.
Comment: Not observed at significant frequency in large population cohorts (gnomAD); In silico analysis supports that this missense variant has a deleterious effect on protein structure/function; This variant is associated with the following publications: (PMID: 29687901, 27247418)

Fulgent Genetics
Classification: Uncertain significance for MYH7-related skeletal myopathy; Myosin storage myopathy; Hypertrophic cardiomyopathy 1; Myopathy, myosin storage, autosomal recessive; Congenital myopathy 4A, autosomal dominant; Dilated cardiomyopathy 1S. Last evaluated: 2021-10-20. Review status: criteria provided, single submitter. Criteria: ACMG Guidelines, 2015. Collection method: clinical testing. Allele origin: unknown.

Revvity Omics, Revvity
Classification: Uncertain significance. Last evaluated: 2020-10-08. Review status: criteria provided, single submitter. Criteria: ACMG Guidelines, 2015. Collection method: clinical testing. Allele origin: germline.

Illumina Laboratory Services, Illumina
Classification: Uncertain significance for Dilated cardiomyopathy 1S. Last evaluated: 2018-01-12. Review status: criteria provided, single submitter. Criteria: ICSL Variant Classification Criteria 13 December 2019. Collection method: clinical testing. Allele origin: germline.

Illumina Laboratory Services, Illumina
Classification: Uncertain significance for Hypertrophic cardiomyopathy 1. Last evaluated: 2018-01-12. Review status: criteria provided, single submitter. Criteria: ICSL Variant Classification Criteria 13 December 2019. Collection method: clinical testing. Allele origin: germline.

Illumina Laboratory Services, Illumina
Classification: Uncertain significance for Myosin storage myopathy. Last evaluated: 2018-01-12. Review status: criteria provided, single submitter. Criteria: ICSL Variant Classification Criteria 13 December 2019. Collection method: clinical testing. Allele origin: germline.

Illumina Laboratory Services, Illumina
Classification: Uncertain significance for MYH7-related skeletal myopathy. Last evaluated: 2018-01-12. Review status: criteria provided, single submitter. Criteria: ICSL Variant Classification Criteria 13 December 2019. Collection method: clinical testing. Allele origin: germline.

Literature cited by the submitters: PubMed 27247418 (cited by 5 submitters); PubMed 30297972 (cited by Ambry Genetics and Color Diagnostics, LLC DBA Color Health); PubMed 32228044 (cited by 4 submitters); PubMed 34542152 (cited by Women's Health and Genetics/Laboratory Corporation of America, LabCorp).